The following is an entry in ClinVar:

ClinVar aggregate classification (germline): Conflicting classifications of pathogenicity. Review status: criteria provided, conflicting classifications (1 of 4 stars). 4 submissions from 4 submitters: Uncertain significance (3); Likely benign (1). Last evaluated 2024-10-31.

Conditions:
Inborn genetic diseases. Identifiers: MedGen C0950123, MeSH D030342.
3-methylglutaconic aciduria with deafness, encephalopathy, and Leigh-like syndrome (MEGDEL). Also called: 3-METHYLGLUTACONIC ACIDURIA, TYPE VI; MEGDEL syndrome; SERAC1 Deficiency. Identifiers: Orphanet 352328, MedGen C4040739, MONDO:0013875, OMIM 614739.

Allele frequency attached by ClinVar (database versions not stated): ExAC 0.00017; gnomAD 0.00033 and 0.00036; TOPMed 0.00036; ESP Exome Variant Server 0.00046; 1000 Genomes Project 0.00060; 1000 Genomes Project 30x 0.00062.
gnomAD v4.1: 98 of 1,603,424 alleles (0.0061%); highest among the groups gnomAD compares: African/African-American, 0.11%; 1 homozygote.

Submissions (4):

GeneDx
Classification: Uncertain significance. Last evaluated: 2024-10-31. Review status: criteria provided, single submitter. Criteria: GeneDx Variant Classification Process June 2021. Collection method: clinical testing. Allele origin: germline. Affected: yes.
Comment: In silico analysis indicates that this missense variant does not alter protein structure/function; Has not been previously published as pathogenic or benign to our knowledge

Labcorp Genetics (formerly Invitae), Labcorp
Classification: Uncertain significance for 3-methylglutaconic aciduria with deafness, encephalopathy, and Leigh-like syndrome. Last evaluated: 2024-10-24. Review status: criteria provided, single submitter. Criteria: Invitae Variant Classification Sherloc (09022015). Collection method: clinical testing. Allele origin: germline.
Comment: This sequence change replaces leucine, which is neutral and non-polar, with valine, which is neutral and non-polar, at codon 554 of the SERAC1 protein (p.Leu554Val). This variant is present in population databases (rs149034301, gnomAD 0.1%). This variant has not been reported in the literature in individuals affected with SERAC1-related conditions. ClinVar contains an entry for this variant (Variation ID: 1057290). Invitae Evidence Modeling of protein sequence and biophysical properties (such as structural, functional, and spatial information, amino acid conservation, physicochemical variation, residue mobility, and thermodynamic stability) indicates that this missense variant is not expected to disrupt SERAC1 protein function with a negative predictive value of 80%. In summary, the available evidence is currently insufficient to determine the role of this variant in disease. Therefore, it has been classified as a Variant of Uncertain Significance.

CeGaT Center for Human Genetics Tuebingen
Classification: Likely benign. Last evaluated: 2023-09-01. Review status: criteria provided, single submitter. Criteria: CeGaT Center For Human Genetics Tuebingen Variant Classification Criteria Version 2. Collection method: clinical testing. Allele origin: germline. Affected: yes. Observed: 1 variant allele.
Comment: SERAC1: BP4

Ambry Genetics
Classification: Uncertain significance for Inborn genetic diseases. Last evaluated: 2022-02-09. Review status: criteria provided, single submitter. Criteria: Ambry Variant Classification Scheme 2023. Collection method: clinical testing. Allele origin: germline.

NM_032861.4(SERAC1):c.1660T>G (p.Leu554Val)

Gene: SERAC1 (serine active site containing 1; minus strand). Cytogenetic location: 6q25.3.
Variant type: single nucleotide variant.
Coding change: c.1660T>G on transcript NM_032861.4 (MANE Select); coding-DNA position 1660, T replaced by G.
Protein change: p.Leu554Val; replaces leucine 554 with valine.
Molecular consequence: missense variant. On other transcripts: non-coding transcript variant (1).
Genome position (GRCh38, 1-based): chr6:158,114,813, A>C on the plus strand (T>G on the coding strand, the complement: SERAC1 is on the minus strand). VCF-style: chr6-158114813-A-C. GRCh37 (hg19) VCF-style: chr6-158535845-A-C.
Other names: c.1660T>G (NM_032861.3); short protein forms L554V.
Identifiers: ClinVar variation 1057290 (VCV001057290.31), dbSNP rs149034301, ClinGen allele CA4071007.